The following is an entry in ClinVar:

NM_002230.4(JUP):c.1096C>T (p.Pro366Ser)

Gene: JUP (junction plakoglobin; minus strand). Cytogenetic location: 17q21.2.
Variant type: single nucleotide variant.
Coding change: c.1096C>T on transcript NM_002230.4 (MANE Select); coding-DNA position 1096, C replaced by T.
Protein change: p.Pro366Ser; replaces proline 366 with serine.
Molecular consequence: missense variant.
Genome position (GRCh38, 1-based): chr17:41,764,775, G>A on the plus strand (C>T on the coding strand, the complement: JUP is on the minus strand). VCF-style: chr17-41764775-G-A. GRCh37 (hg19) VCF-style: chr17-39921027-G-A.
Other names: c.1096C>T, p.Pro366Ser (NM_001352773.2, NM_001352774.2, NM_001352775.2 and 3 more transcripts); short protein forms P366S.
Identifiers: ClinVar variation 2950057 (VCV002950057.3), dbSNP rs782690097, ClinGen allele CA399498906.
Genomic context (GRCh38, chr17:41,764,775, plus strand): 5'-GCTTGGTGGCCACATCTGAGAGGTTGCGCAGGGTCCACAGGCAGTTCTGCACCAGGCGGG[G>A]GCTGTTGCTGGTCAGGTGCTTGCCCAGGGCCTGCATCCCACCTGGGGCAGGGATAGGGGT-3'
Protein context (NP_002221.1, residues 356-376): ALGKHLTSNS[Pro366Ser]RLVQNCLWTL

ClinVar aggregate classification (germline): Uncertain significance (1 of 4 stars; one submission).

Conditions:
Arrhythmogenic right ventricular dysplasia 12. Also called: ARRHYTHMOGENIC RIGHT VENTRICULAR DYSPLASIA, FAMILIAL, 12. Identifiers: MedGen C1969081, MONDO:0012684, OMIM 611528.
Naxos disease (NXD). Also called: KERATOSIS PALMOPLANTARIS WITH ARRHYTHMOGENIC CARDIOMYOPATHY; MAL DE NAXOS; PALMOPLANTAR KERATODERMA WITH ARRHYTHMOGENIC RIGHT VENTRICULAR CARDIOMYOPATHY AND WOOLLY HAIR; WOOLLY HAIR, PALMOPLANTAR KERATODERMA, AND CARDIAC ABNORMALITIES; CARDIOMYOPATHY, ARRHYTHMOGENIC RIGHT VENTRICULAR, WITH SKIN, HAIR, AND NAIL ABNORMALITIES. Identifiers: Orphanet 34217, MedGen C1832600, MONDO:0011017, OMIM 601214.

Submission:

Labcorp Genetics (formerly Invitae), Labcorp
Classification: Uncertain significance for Arrhythmogenic right ventricular dysplasia 12; Naxos disease. Last evaluated: 2023-07-22. Review status: criteria provided, single submitter. Criteria: Invitae Variant Classification Sherloc (09022015). Collection method: clinical testing. Allele origin: germline.
Comment: This sequence change replaces proline, which is neutral and non-polar, with serine, which is neutral and polar, at codon 366 of the JUP protein (p.Pro366Ser). This variant is not present in population databases (gnomAD no frequency). This variant has not been reported in the literature in individuals affected with JUP-related conditions. An algorithm developed to predict the effect of missense changes on protein structure and function (PolyPhen-2) suggests that this variant is likely to be tolerated. In summary, the available evidence is currently insufficient to determine the role of this variant in disease. Therefore, it has been classified as a Variant of Uncertain Significance.